The following is an entry in ClinVar:

ClinVar aggregate classification (germline): Uncertain significance (1 of 4 stars; one submission).

Allele frequency attached by ClinVar (database versions not stated): TOPMed below 0.00001.

Submission:

Labcorp Genetics (formerly Invitae), Labcorp
Classification: Uncertain significance. Last evaluated: 2023-07-10. Review status: criteria provided, single submitter. Criteria: Invitae Variant Classification Sherloc (09022015). Collection method: clinical testing. Allele origin: germline.
Comment: In summary, the available evidence is currently insufficient to determine the role of this variant in disease. Therefore, it has been classified as a Variant of Uncertain Significance. Advanced modeling of protein sequence and biophysical properties (such as structural, functional, and spatial information, amino acid conservation, physicochemical variation, residue mobility, and thermodynamic stability) performed at Invitae indicates that this missense variant is expected to disrupt ABCC6 protein function. ClinVar contains an entry for this variant (Variation ID: 1042380). This variant has not been reported in the literature in individuals affected with ABCC6-related conditions. This variant is not present in population databases (gnomAD no frequency). This sequence change replaces glycine, which is neutral and non-polar, with arginine, which is basic and polar, at codon 1299 of the ABCC6 protein (p.Gly1299Arg).

NM_001171.6(ABCC6):c.3895G>C (p.Gly1299Arg)

Gene: ABCC6 (ATP binding cassette subfamily C member 6; minus strand). Cytogenetic location: 16p13.11.
Variant type: single nucleotide variant.
Coding change: c.3895G>C on transcript NM_001171.6 (MANE Select); coding-DNA position 3895, G replaced by C.
Protein change: p.Gly1299Arg; replaces glycine 1299 with arginine.
Molecular consequence: missense variant. On other transcripts: non-coding transcript variant (1).
Genome position (GRCh38, 1-based): chr16:16,155,019, C>G on the plus strand (G>C on the coding strand, the complement: ABCC6 is on the minus strand). VCF-style: chr16-16155019-C-G. GRCh37 (hg19) VCF-style: chr16-16248876-C-G.
Other names: c.3553G>C, p.Gly1185Arg (NM_001351800.1); short protein forms G1185R, G1299R.
Identifiers: ClinVar variation 1042380 (VCV001042380.8), dbSNP rs63750446, ClinGen allele CA394876234.